The following is an entry in ClinVar:

ClinVar aggregate classification (germline): Likely benign (1 of 4 stars; one submission).

Conditions:
UNC13A-related disorder. Also called: UNC13A-related condition.

Submission:

PreventionGenetics, part of Exact Sciences
Classification: Likely benign for UNC13A-related condition. Last evaluated: 2025-03-10. Review status: criteria provided, single submitter. Criteria: ACMG Guidelines, 2015. Collection method: clinical testing. Allele origin: germline.
Comment: This variant is classified as likely benign based on ACMG/AMP sequence variant interpretation guidelines (Richards et al. 2015 PMID: 25741868, with internal and published modifications).

NM_001080421.3(UNC13A):c.564T>C (p.Asp188=)

Gene: UNC13A (unc-13 homolog A; minus strand). Cytogenetic location: 19p13.11.
Variant type: single nucleotide variant.
Coding change: c.564T>C on transcript NM_001080421.3 (MANE Select); coding-DNA position 564, T replaced by C.
Protein change: p.Asp188=; no amino-acid change (aspartic acid 188 retained).
Molecular consequence: synonymous variant.
Genome position (GRCh38, 1-based): chr19:17,658,265, A>G on the plus strand (T>C on the coding strand, the complement: UNC13A is on the minus strand). VCF-style: chr19-17658265-A-G. GRCh37 (hg19) VCF-style: chr19-17769074-A-G.
Other names: c.564T>C, p.Asp188= (NM_001387021.1, NM_001387022.1, NM_001387023.1).
Identifiers: ClinVar variation 5001214 (VCV005001214.1).
Genomic context (GRCh38, chr19:17,658,265, plus strand): 5'-GCTGTTGCTCGTTTCACTGCGGTAGTCACTGTCACGATCATCCACTGCACTGTCGGGGTC[A>G]TCGTCTGGAAGAGAGAGGCGGTATGGGAAGAGGGTGAGGAAGAGAGAGTGCACATGATGG-3'
Protein context (NP_001073890.2, residues 178-198): NYFGWGEQHN[Asp188=]DPDSAVDDRD